The following is an entry in ClinVar:

NM_144687.4(NLRP12):c.424G>A (p.Asp142Asn)

Gene: NLRP12 (NLR family pyrin domain containing 12; minus strand). Cytogenetic location: 19q13.42.
Variant type: single nucleotide variant.
Coding change: c.424G>A on transcript NM_144687.4 (MANE Select); coding-DNA position 424, G replaced by A.
Protein change: p.Asp142Asn; replaces aspartic acid 142 with asparagine.
Molecular consequence: missense variant.
Genome position (GRCh38, 1-based): chr19:53,811,235, C>T on the plus strand (G>A on the coding strand, the complement: NLRP12 is on the minus strand). VCF-style: chr19-53811235-C-T. GRCh37 (hg19) VCF-style: chr19-54314489-C-T.
Other names: p.Asp142Asn; c.424G>A, p.Asp142Asn (NM_001277126.2, NM_001277129.1); short protein forms D142N.
Identifiers: ClinVar variation 330043 (VCV000330043.32), dbSNP rs34330210, ClinGen allele CA9639714.

ClinVar aggregate classification (germline): Benign/Likely benign. Review status: criteria provided, multiple submitters, no conflicts (2 of 4 stars). 9 submissions from 9 submitters: Benign (4); Likely benign (3). 2 of the submissions do not count toward it. Last evaluated 2026-01-28.

Conditions:
Autoinflammatory syndrome. Identifiers: Orphanet 93665, MedGen C3890737, MONDO:0019751.
Familial cold autoinflammatory syndrome 2 (FCAS2). Identifiers: Orphanet 247868, MedGen C2673198, MONDO:0012724, OMIM 611762.

Allele frequency attached by ClinVar (database versions not stated): ExAC 0.00274; gnomAD 0.00799; 1000 Genomes Project 0.00899; ESP Exome Variant Server 0.00900; 1000 Genomes Project 30x 0.00937; TOPMed 0.00978.
gnomAD v4.1: 2,760 of 1,614,020 alleles (0.17%); highest among the groups gnomAD compares: African/African-American, 2.9%; 38 homozygotes.

Submissions (9):

Labcorp Genetics (formerly Invitae), Labcorp
Classification: Benign for Familial cold autoinflammatory syndrome 2. Last evaluated: 2026-01-28. Review status: criteria provided, single submitter. Criteria: Invitae Variant Classification Sherloc (09022015). Collection method: clinical testing. Allele origin: germline.

Women's Health and Genetics/Laboratory Corporation of America, LabCorp
Classification: Likely benign. Last evaluated: 2026-01-22. Review status: criteria provided, single submitter. Criteria: LabCorp Variant Classification Summary - May 2015. Collection method: clinical testing. Allele origin: germline.

ARUP Laboratories, Molecular Genetics and Genomics, ARUP Laboratories
Classification: Benign for Familial cold autoinflammatory syndrome 2. Last evaluated: 2024-12-23. Review status: criteria provided, single submitter. Criteria: ARUP Molecular Germline Variant Investigation Process 2024. Collection method: clinical testing. Allele origin: germline.

Mayo Clinic Laboratories, Mayo Clinic
Classification: Benign. Last evaluated: 2021-07-29. Review status: criteria provided, single submitter. Criteria: ACMG Guidelines, 2015. Collection method: clinical testing. Allele origin: germline. Observed: 6 variant alleles.
Comment: BS1, BS2

Genome Diagnostics Laboratory, The Hospital for Sick Children
Classification: Likely benign for Autoinflammatory syndrome. Last evaluated: 2021-06-16. Review status: criteria provided, single submitter. Criteria: ACMG Guidelines, 2015. Collection method: clinical testing. Allele origin: germline. Affected: yes.

Illumina Laboratory Services, Illumina
Classification: Benign for Familial cold autoinflammatory syndrome 2. Last evaluated: 2018-01-12. Review status: criteria provided, single submitter. Criteria: ICSL Variant Classification Criteria 13 December 2019. Collection method: clinical testing. Allele origin: germline.
Comment: This variant was observed in the ICSL laboratory as part of a predisposition screen in an ostensibly healthy population. It had not been previously curated by ICSL or reported in the Human Gene Mutation Database (HGMD: prior to June 1st, 2018), and was therefore a candidate for classification through an automated scoring system. Utilizing variant allele frequency, disease prevalence and penetrance estimates, and inheritance mode, an automated score was calculated to assess if this variant is too frequent to cause the disease. Based on the score and internal cut-off values, a variant classified as benign is not then subjected to further curation. The score for this variant resulted in a classification of benign for this disease.

Breakthrough Genomics
Classification: Likely benign. Review status: criteria provided, single submitter. Criteria: ACMG Guidelines, 2015. Collection method: not provided. Allele origin: germline. Inheritance: Autosomal dominant inheritance. Affected: yes.

Clinical Genetics DNA and cytogenetics Diagnostics Lab, Erasmus MC, Erasmus Medical Center
Classification: Benign. Review status: no assertion criteria provided. Collection method: clinical testing. Allele origin: germline. Affected: yes. Study: VKGL Data-share Consensus. Not counted in ClinVar's aggregate classification.

Genome Diagnostics Laboratory, University Medical Center Utrecht
Classification: Benign. Review status: no assertion criteria provided. Collection method: clinical testing. Allele origin: germline. Affected: yes. Study: VKGL Data-share Consensus. Not counted in ClinVar's aggregate classification.